The following is an entry in ClinVar:

NM_001939.3(DRP2):c.214G>C (p.Gly72Arg)

Gene: DRP2 (dystrophin related protein 2; plus strand). Cytogenetic location: Xq22.1.
Variant type: single nucleotide variant.
Coding change: c.214G>C on transcript NM_001939.3 (MANE Select); coding-DNA position 214, G replaced by C.
Protein change: p.Gly72Arg; replaces glycine 72 with arginine.
Molecular consequence: missense variant. On other transcripts: 5 prime UTR variant (1).
Genome position (GRCh38, 1-based): chrX:101,235,956, G>C. VCF-style: chrX-101235956-G-C. GRCh37 (hg19) VCF-style: chrX-100490945-G-C.
Other names: c.-21G>C (NM_001171184.2); short protein forms G72R.
Identifiers: ClinVar variation 1521569 (VCV001521569.6), dbSNP rs1412327225, ClinGen allele CA413910765.

ClinVar aggregate classification (germline): Uncertain significance (1 of 4 stars; one submission).

Allele frequency attached by ClinVar (database versions not stated): gnomAD exomes 0.00001.

Submission:

Labcorp Genetics (formerly Invitae), Labcorp
Classification: Uncertain significance. Last evaluated: 2021-09-26. Review status: criteria provided, single submitter. Criteria: Invitae Variant Classification Sherloc (09022015). Collection method: clinical testing. Allele origin: germline.
Comment: This variant is not present in population databases (ExAC no frequency). This sequence change replaces glycine with arginine at codon 72 of the DRP2 protein (p.Gly72Arg). The glycine residue is moderately conserved and there is a moderate physicochemical difference between glycine and arginine. In summary, the available evidence is currently insufficient to determine the role of this variant in disease. Therefore, it has been classified as a Variant of Uncertain Significance. Algorithms developed to predict the effect of missense changes on protein structure and function output the following: SIFT: "Tolerated"; PolyPhen-2: "Benign"; Align-GVGD: "Class C0". The arginine amino acid residue is found in multiple mammalian species, which suggests that this missense change does not adversely affect protein function. This variant has not been reported in the literature in individuals affected with DRP2-related conditions.